The following is an entry in ClinVar:

NM_001080467.3(MYO5B):c.2031A>T (p.Gln677His)

Gene: MYO5B (myosin VB; minus strand). Cytogenetic location: 18q21.1.
Variant type: single nucleotide variant.
Coding change: c.2031A>T on transcript NM_001080467.3 (MANE Select); coding-DNA position 2031, A replaced by T.
Protein change: p.Gln677His; replaces glutamine 677 with histidine.
Molecular consequence: missense variant.
Genome position (GRCh38, 1-based): chr18:49,929,571, T>A on the plus strand (A>T on the coding strand, the complement: MYO5B is on the minus strand). VCF-style: chr18-49929571-T-A. GRCh37 (hg19) VCF-style: chr18-47455941-T-A.
Other names: short protein forms Q677H.
Identifiers: ClinVar variation 2810277 (VCV002810277.3), dbSNP rs2025166871, ClinGen allele CA402442826.

ClinVar aggregate classification (germline): Uncertain significance (1 of 4 stars; one submission).

Submission:

Labcorp Genetics (formerly Invitae), Labcorp
Classification: Uncertain significance. Last evaluated: 2023-02-23. Review status: criteria provided, single submitter. Criteria: Invitae Variant Classification Sherloc (09022015). Collection method: clinical testing. Allele origin: germline.
Comment: Advanced modeling of protein sequence and biophysical properties (such as structural, functional, and spatial information, amino acid conservation, physicochemical variation, residue mobility, and thermodynamic stability) performed at Invitae indicates that this missense variant is expected to disrupt MYO5B protein function. In summary, the available evidence is currently insufficient to determine the role of this variant in disease. Therefore, it has been classified as a Variant of Uncertain Significance. This variant has not been reported in the literature in individuals affected with MYO5B-related conditions. This variant is not present in population databases (gnomAD no frequency). This sequence change replaces glutamine, which is neutral and polar, with histidine, which is basic and polar, at codon 677 of the MYO5B protein (p.Gln677His).